The following is an entry in ClinVar:

NM_004738.5(VAPB):c.340C>G (p.Leu114Val)

Gene: VAPB (VAMP associated protein B and C; plus strand). Cytogenetic location: 20q13.32.
Variant type: single nucleotide variant.
Coding change: c.340C>G on transcript NM_004738.5 (MANE Select); coding-DNA position 340, C replaced by G.
Protein change: p.Leu114Val; replaces leucine 114 with valine.
Molecular consequence: missense variant. On other transcripts: intron variant (1).
Genome position (GRCh38, 1-based): chr20:58,438,969, C>G. VCF-style: chr20-58438969-C-G. GRCh37 (hg19) VCF-style: chr20-57014025-C-G.
Other names: c.212-5108C>G (NM_001195677.2); short protein forms L114V.
Identifiers: ClinVar variation 2040674 (VCV002040674.4), dbSNP rs377121820, ClinGen allele CA9924237.
Genomic context (GRCh38, chr20:58,438,969, plus strand): 5'-TATAATATCTTGATTATTAAATTTAAATTGTTTTAGTGGAAGGAGGCAAAACCGGAAGAC[C>G]TTATGGATTCAAAACTTAGATGTGTGTTTGAATTGCCAGCAGAGAATGATAAACCAGTAA-3'
Protein context (NP_004729.1, residues 104-124): AVWKEAKPED[Leu114Val]MDSKLRCVFE

ClinVar aggregate classification (germline): Uncertain significance (1 of 4 stars; one submission).

Conditions:
Amyotrophic lateral sclerosis type 8 (ALS8). Identifiers: Orphanet 803, MedGen C1837728, MONDO:0012077, OMIM 608627.
Adult-onset proximal spinal muscular atrophy, autosomal dominant. Also called: FINKEL LATE-ADULT TYPE SMA; Spinal muscular atrophy, late-onset, finkel type. Identifiers: Orphanet 209335, MedGen C1854058, MONDO:0008453, OMIM 182980.

Allele frequency attached by ClinVar (database versions not stated): gnomAD exomes below 0.00001; gnomAD 0.00001; ExAC 0.00002; TOPMed 0.00002; ESP Exome Variant Server 0.00008.
gnomAD v4.1: 3 of 1,613,690 alleles (0.00019%); highest among the groups gnomAD compares: African/African-American, 0.0027%; no homozygotes.

Submission:

Labcorp Genetics (formerly Invitae), Labcorp
Classification: Uncertain significance for Adult-onset proximal spinal muscular atrophy, autosomal dominant; Amyotrophic lateral sclerosis type 8. Last evaluated: 2022-03-19. Review status: criteria provided, single submitter. Criteria: Invitae Variant Classification Sherloc (09022015). Collection method: clinical testing. Allele origin: germline.
Comment: In summary, the available evidence is currently insufficient to determine the role of this variant in disease. Therefore, it has been classified as a Variant of Uncertain Significance. Algorithms developed to predict the effect of missense changes on protein structure and function are either unavailable or do not agree on the potential impact of this missense change (SIFT: "Not Available"; PolyPhen-2: "Probably Damaging"; Align-GVGD: "Not Available"). This variant has not been reported in the literature in individuals affected with VAPB-related conditions. This variant is present in population databases (rs377121820, gnomAD 0.01%). This sequence change replaces leucine, which is neutral and non-polar, with valine, which is neutral and non-polar, at codon 114 of the VAPB protein (p.Leu114Val).